The following is an entry in ClinVar:

ClinVar aggregate classification (germline): Uncertain significance. Review status: reviewed by expert panel (3 of 4 stars). 4 submissions from 4 submitters: Uncertain significance (1). 3 of the submissions do not count toward it. Last evaluated 2024-03-07.

Conditions:
Inborn genetic diseases. Identifiers: MedGen C0950123, MeSH D030342.
Glanzmann thrombasthenia. Also called: Glanzmann's thrombasthenia; THROMBASTHENIA OF GLANZMANN AND NAEGELI; PLATELET GLYCOPROTEIN IIb-IIIa DEFICIENCY; Thrombasthenia. Identifiers: Orphanet 849, MedGen C0040015, MONDO:0100326.

Allele frequency attached by ClinVar (database versions not stated): TOPMed below 0.00001; gnomAD 0.00001.
gnomAD v4.1: 12 of 1,556,344 alleles (0.00077%); highest among the groups gnomAD compares: Admixed American, 0.0039%; no homozygotes.

Submissions (4):

ClinGen Platelet Disorders Variant Curation Expert Panel, ClinGen
Classification: Uncertain significance for Glanzmann thrombasthenia. Last evaluated: 2024-03-07. Review status: reviewed by expert panel. Criteria: ClinGen Platelet ACMG Specifications v2-1. Collection method: curation. Allele origin: germline. Inheritance: Autosomal recessive inheritance.
Comment: The c.1888 variant in ITGA2B is a missense variant predicted to cause substitution of Valine by Isoleucine at amino acid 630 (p.Val630Ile). The highest population minor allele frequency in gnomAD v4.0.0 is 0.00003891 (2/51402 alleles) in the Admixed American population, which is lower than the ClinGen PD VCEP threshold (<0.0001; PM2_Supporting). The computational predictor REVEL gives a score of 0.076, which is below the ClinGen PD VCEP threshold of <0.25 and predicts no damaging effect on ITGA2B function (BP4). Due to conflicting evidence, this variant is classified as a variant of unknown significance for autosomal recessive Glanzmann Thrombasthenia based on the ACMG/AMP criteria applied, as specified by the ClinGen PD-VCEP: PM2_Supporting and BP4 (VCEP specifications version 2; date of approval 03/07/2024).

GeneDx
Classification: Uncertain significance. Last evaluated: 2026-04-07. Review status: criteria provided, single submitter. Criteria: GeneDx Variant Classification Process June 2021. Collection method: clinical testing. Allele origin: germline. Not counted in ClinVar's aggregate classification.
Comment: In silico analysis suggests that this missense variant does not alter protein structure/function; Has not been previously published as pathogenic or benign to our knowledge

Ambry Genetics
Classification: Likely benign for Inborn genetic diseases. Last evaluated: 2023-09-12. Review status: criteria provided, single submitter. Criteria: Ambry Variant Classification Scheme 2023. Collection method: clinical testing. Allele origin: germline. Not counted in ClinVar's aggregate classification.

Illumina Laboratory Services, Illumina
Classification: Uncertain significance for Glanzmann thrombasthenia 1. Last evaluated: 2018-01-12. Review status: criteria provided, single submitter. Criteria: ICSL Variant Classification Criteria 13 December 2019. Collection method: clinical testing. Allele origin: germline. Not counted in ClinVar's aggregate classification.

NM_000419.5(ITGA2B):c.1888G>A (p.Val630Ile)

Gene: ITGA2B (integrin subunit alpha 2b; minus strand). Cytogenetic location: 17q21.31.
Variant type: single nucleotide variant.
Coding change: c.1888G>A on transcript NM_000419.5 (MANE Select); coding-DNA position 1888, G replaced by A.
Protein change: p.Val630Ile; replaces valine 630 with isoleucine.
Molecular consequence: missense variant.
Genome position (GRCh38, 1-based): chr17:44,378,701, C>T on the plus strand (G>A on the coding strand, the complement: ITGA2B is on the minus strand). VCF-style: chr17-44378701-C-T. GRCh37 (hg19) VCF-style: chr17-42456069-C-T.
Other names: NM_000419.5(ITGA2B):c.1888G>A; p.Val630Ile; short protein forms V630I.
Identifiers: ClinVar variation 891087 (VCV000891087.8), dbSNP rs1271568680, ClinGen allele CA399801285.